The following is an entry in ClinVar:

NM_001042492.3(NF1):c.4153A>G (p.Lys1385Glu)

Gene: NF1 (neurofibromin 1; plus strand). Cytogenetic location: 17q11.2.
Variant type: single nucleotide variant.
Coding change: c.4153A>G on transcript NM_001042492.3 (MANE Select); coding-DNA position 4153, A replaced by G.
Protein change: p.Lys1385Glu; replaces lysine 1385 with glutamic acid.
Molecular consequence: missense variant. On other transcripts: intron variant (1).
Genome position (GRCh38, 1-based): chr17:31,252,980, A>G. VCF-style: chr17-31252980-A-G. GRCh37 (hg19) VCF-style: chr17-29579998-A-G.
Other names: c.4110+3861A>G (NM_000267.4); short protein forms K1385E.
Identifiers: ClinVar variation 480151 (VCV000480151.2), dbSNP rs1259436033, ClinGen allele CA398996004.

ClinVar aggregate classification (germline): Uncertain significance (1 of 4 stars; one submission).

Conditions:
Hereditary cancer-predisposing syndrome. Also called: Hereditary Cancer Syndrome; Neoplastic Syndromes, Hereditary; Tumor predisposition; Hereditary neoplastic syndrome. Identifiers: Orphanet 140162, MedGen C0027672, MeSH D009386, MONDO:0015356.

Allele frequency attached by ClinVar (database versions not stated): gnomAD 0.00001; TOPMed 0.00001.
gnomAD v4.1: 2 of 1,613,390 alleles (0.00012%); highest among the groups gnomAD compares: Non-Finnish European, 0.00017%; no homozygotes.

Submission:

Ambry Genetics
Classification: Uncertain significance for Hereditary cancer-predisposing syndrome. Last evaluated: 2016-09-06. Review status: criteria provided, single submitter. Criteria: Ambry Autosomal Dominant and X-Linked criteria (10/2015). Collection method: clinical testing. Allele origin: germline. Observed: 1 variant allele.
Comment: Insufficient evidence